The following is an entry in ClinVar:

NM_001572.5(IRF7):c.797A>G (p.Gln266Arg)

Gene: IRF7 (interferon regulatory factor 7; minus strand). Cytogenetic location: 11p15.5.
Variant type: single nucleotide variant.
Coding change: c.797A>G on transcript NM_001572.5 (MANE Select); coding-DNA position 797, A replaced by G.
Protein change: p.Gln266Arg; replaces glutamine 266 with arginine.
Molecular consequence: missense variant.
Genome position (GRCh38, 1-based): chr11:613,835, T>C on the plus strand (A>G on the coding strand, the complement: IRF7 is on the minus strand). VCF-style: chr11-613835-T-C. GRCh37 (hg19) VCF-style: chr11-613835-T-C.
Other names: c.710A>G, p.Gln237Arg (NM_004029.4); c.836A>G, p.Gln279Arg (NM_004031.4); short protein forms Q266R, Q279R, Q237R.
Identifiers: ClinVar variation 2913220 (VCV002913220.3), dbSNP rs775175190, ClinGen allele CA5783742.

ClinVar aggregate classification (germline): Uncertain significance (1 of 4 stars; one submission).

Conditions:
Immunodeficiency 39 (IMD39). Identifiers: Orphanet 574918, MedGen C4225358, MONDO:0014597, OMIM 616345.

Allele frequency attached by ClinVar (database versions not stated): gnomAD exomes below 0.00001; ExAC 0.00002; TOPMed 0.00002; gnomAD 0.00003.

Submission:

Labcorp Genetics (formerly Invitae), Labcorp
Classification: Uncertain significance for Immunodeficiency 39. Last evaluated: 2022-11-30. Review status: criteria provided, single submitter. Criteria: Invitae Variant Classification Sherloc (09022015). Collection method: clinical testing. Allele origin: germline.
Comment: In summary, the available evidence is currently insufficient to determine the role of this variant in disease. Therefore, it has been classified as a Variant of Uncertain Significance. This sequence change replaces glutamine, which is neutral and polar, with arginine, which is basic and polar, at codon 279 of the IRF7 protein (p.Gln279Arg). The frequency data for this variant in the population databases is considered unreliable, as metrics indicate poor data quality at this position in the gnomAD database. This variant has not been reported in the literature in individuals affected with IRF7-related conditions. Advanced modeling of protein sequence and biophysical properties (such as structural, functional, and spatial information, amino acid conservation, physicochemical variation, residue mobility, and thermodynamic stability) performed at Invitae indicates that this missense variant is not expected to disrupt IRF7 protein function.